The following is an entry in ClinVar:

NM_006521.6(TFE3):c.44G>T (p.Ser15Ile)

Gene: TFE3 (transcription factor binding to IGHM enhancer 3; minus strand). Cytogenetic location: Xp11.23.
Variant type: single nucleotide variant.
Coding change: c.44G>T on transcript NM_006521.6 (MANE Select); coding-DNA position 44, G replaced by T.
Protein change: p.Ser15Ile; replaces serine 15 with isoleucine.
Molecular consequence: missense variant. On other transcripts: 5 prime UTR variant (1).
Genome position (GRCh38, 1-based): chrX:49,043,183, C>A on the plus strand (G>T on the coding strand, the complement: TFE3 is on the minus strand). VCF-style: chrX-49043183-C-A. GRCh37 (hg19) VCF-style: chrX-48900709-C-A.
Other names: c.-207G>T (NM_001282142.2); short protein forms S15I.
Identifiers: ClinVar variation 1098708 (VCV001098708.1), dbSNP rs2147780092, ClinGen allele CA412916945.
Genomic context (GRCh38, chrX:49,043,183, plus strand): 5'-GCCGAGTCGGCCGGCCTGCGCTCCTCCAACAGCACGAACACGGCTCGAGGGCCCTCCGCG[C>A]TGGCCTCTACGCCATCCCGAGCTGGTTCGGCCGCATGAGACATGACGCCCGGCCCCGGGC-3'
Protein context (NP_006512.2, residues 5-25): AEPARDGVEA[Ser15Ile]AEGPRAVFVL

ClinVar aggregate classification (germline): Uncertain significance (1 of 4 stars; one submission).

Conditions:
TFE3-Associated Neurodevelopmental disorder.

Submission:

New York Genome Center
Classification: Uncertain significance for TFE3-Associated Neurodevelopmental disorder. Last evaluated: 2020-06-03. Review status: criteria provided, single submitter. Criteria: NYGC Assertion Criteria 2020. Collection method: clinical testing. Allele origin: germline. Observed: 1 heterozygote. Study: CSER-NYCKidSeq.
Comment: The c.44G>T (p.Ser15Ile) variant identified in the TFE3 gene substitutes a moderately conserved Serine for Isoleucine at amino acid 15/576 (coding exon 1/10). This variant is absent from gnomAD(v3.0) suggesting it is not a common benign variant in the populations represented in that database. In silico algorithms do not agree on the effect of this variant, as it is predicted both Neutral (Provean; score: -0.97) and Damaging(SIFT; score:0.003) to the function of the canonical transcript. This variant is absent from ClinVar and to our current knowledge has not been reported in affected individuals in the literature. The p.Ser15 residue is not within a mapped domain of TFE3. Given the lack of compelling evidence for its pathogenicity, the c.44G>T (p.Ser15Ile) variant identified in the TFE3 gene is reported here as a Variant of Uncertain Significance.